The following is an entry in ClinVar:

NM_005529.7(HSPG2):c.6799G>A (p.Val2267Met)

Genes: HSPG2 (heparan sulfate proteoglycan 2; minus strand), LOC126805655 (CDK7 strongly-dependent group 2 enhancer GRCh37_chr1:22178409-22179608; plus strand). Cytogenetic location: 1p36.12.
Variant type: single nucleotide variant.
Coding change: c.6799G>A on transcript NM_005529.7 (MANE Select); coding-DNA position 6799, G replaced by A.
Protein change: p.Val2267Met; replaces valine 2267 with methionine.
Molecular consequence: missense variant.
Genome position (GRCh38, 1-based): chr1:21,852,159, C>T on the plus strand (G>A on the coding strand, the complement: HSPG2 is on the minus strand). VCF-style: chr1-21852159-C-T. GRCh37 (hg19) VCF-style: chr1-22178652-C-T.
Other names: c.6802G>A, p.Val2268Met (NM_001291860.2); c.6799G>A (NM_005529.5); short protein forms V2268M, V2267M.
Identifiers: ClinVar variation 1988017 (VCV001988017.3), dbSNP rs759420792, ClinGen allele CA671430.

ClinVar aggregate classification (germline): Uncertain significance. Review status: criteria provided, multiple submitters, no conflicts (2 of 4 stars). 2 submissions from 2 submitters: Uncertain significance (2). Last evaluated 2024-03-07.

Conditions:
Inborn genetic diseases. Identifiers: MedGen C0950123, MeSH D030342.

Allele frequency attached by ClinVar (database versions not stated): ExAC 0.00001; gnomAD exomes 0.00001; gnomAD 0.00003; TOPMed 0.00003.
gnomAD v4.1: 23 of 1,613,982 alleles (0.0014%); highest among the groups gnomAD compares: South Asian, 0.0077%; no homozygotes.

Submissions (2):

Ambry Genetics
Classification: Uncertain significance for Inborn genetic diseases. Last evaluated: 2024-03-07. Review status: criteria provided, single submitter. Criteria: Ambry Variant Classification Scheme 2023. Collection method: clinical testing. Allele origin: germline.

Labcorp Genetics (formerly Invitae), Labcorp
Classification: Uncertain significance. Last evaluated: 2023-12-06. Review status: criteria provided, single submitter. Criteria: Invitae Variant Classification Sherloc (09022015). Collection method: clinical testing. Allele origin: germline.
Comment: This sequence change replaces valine, which is neutral and non-polar, with methionine, which is neutral and non-polar, at codon 2267 of the HSPG2 protein (p.Val2267Met). This variant is present in population databases (rs759420792, gnomAD 0.003%). This variant has not been reported in the literature in individuals affected with HSPG2-related conditions. ClinVar contains an entry for this variant (Variation ID: 1988017). An algorithm developed to predict the effect of missense changes on protein structure and function (PolyPhen-2) suggests that this variant¬†is likely to be tolerated. In summary, the available evidence is currently insufficient to determine the role of this variant in disease. Therefore, it has been classified as a Variant of Uncertain Significance.